The following is an entry in ClinVar:

ClinVar aggregate classification (germline): Uncertain significance. Review status: criteria provided, multiple submitters, no conflicts (2 of 4 stars). 2 submissions from 2 submitters: Uncertain significance (2). Last evaluated 2025-11-06.

Conditions:
Hyperkalemic periodic paralysis. Also called: Familial hyperkalemic periodic paralysis; Gamstorp disease. Identifiers: Orphanet 682, MedGen C0238357, MONDO:0008224, OMIM 170500, HP:0007215.

Allele frequency attached by ClinVar (database versions not stated): TOPMed 0.00004; gnomAD 0.00001; gnomAD exomes 0.00002.
gnomAD v4.1: 30 of 1,612,780 alleles (0.0019%); highest among the groups gnomAD compares: East Asian, 0.0045%; no homozygotes.

Submissions (2):

Women's Health and Genetics/Laboratory Corporation of America, LabCorp
Classification: Uncertain significance. Last evaluated: 2025-11-06. Review status: criteria provided, single submitter. Criteria: LabCorp Variant Classification Summary - May 2015. Collection method: clinical testing. Allele origin: germline.
Comment: Variant summary: SCN4A c.550G>A (p.Asp184Asn) results in a conservative amino acid change in the encoded protein sequence. Algorithms developed to predict the effect of missense changes on protein structure and function are either unavailable or do not agree on the potential impact of this missense change. The variant allele was found at a frequency of 1.2e-05 in 247172 control chromosomes. The available data on variant occurrences in the general population are insufficient to allow any conclusion about variant significance. To our knowledge, no occurrence of c.550G>A in individuals affected with SCN4A-related conditions and no experimental evidence demonstrating its impact on protein function have been reported. ClinVar contains an entry for this variant (Variation ID: 2910281). Based on the evidence outlined above, the variant was classified as uncertain significance.

Labcorp Genetics (formerly Invitae), Labcorp
Classification: Uncertain significance for Hyperkalemic periodic paralysis. Last evaluated: 2022-11-23. Review status: criteria provided, single submitter. Criteria: Invitae Variant Classification Sherloc (09022015). Collection method: clinical testing. Allele origin: germline.
Comment: This variant has not been reported in the literature in individuals affected with SCN4A-related conditions. The frequency data for this variant in the population databases is considered unreliable, as metrics indicate poor data quality at this position in the gnomAD database. This sequence change replaces aspartic acid, which is acidic and polar, with asparagine, which is neutral and polar, at codon 184 of the SCN4A protein (p.Asp184Asn). Advanced modeling of protein sequence and biophysical properties (such as structural, functional, and spatial information, amino acid conservation, physicochemical variation, residue mobility, and thermodynamic stability) performed at Invitae indicates that this missense variant is not expected to disrupt SCN4A protein function. In summary, the available evidence is currently insufficient to determine the role of this variant in disease. Therefore, it has been classified as a Variant of Uncertain Significance.

NM_000334.4(SCN4A):c.550G>A (p.Asp184Asn)

Gene: SCN4A (sodium voltage-gated channel alpha subunit 4; minus strand). Cytogenetic location: 17q23.3.
Variant type: single nucleotide variant.
Coding change: c.550G>A on transcript NM_000334.4 (MANE Select); coding-DNA position 550, G replaced by A.
Protein change: p.Asp184Asn; replaces aspartic acid 184 with asparagine.
Molecular consequence: missense variant.
Genome position (GRCh38, 1-based): chr17:63,971,783, C>T on the plus strand (G>A on the coding strand, the complement: SCN4A is on the minus strand). VCF-style: chr17-63971783-C-T. GRCh37 (hg19) VCF-style: chr17-62049143-C-T.
Other names: short protein forms D184N.
Identifiers: ClinVar variation 2910281 (VCV002910281.4), dbSNP rs1046930065, ClinGen allele CA292972691.
Genomic context (GRCh38, chr17:63,971,783, plus strand): 5'-CCATCATGATGACACTGAAGTCCAGCCAGTTCCAGGGGTCCCGGAGGAATGTGAAGTCGT[C>T]GACACAGAAGCCTCGGGCCAGTATCTTGATGAGGGACTCAAAGGTGTAGATCCCTGTGAA-3'
Protein context (NP_000325.4, residues 174-194): IKILARGFCV[Asp184Asn]DFTFLRDPWN